The following is an entry in ClinVar:

NM_002693.3(POLG):c.2265+236G>A

Gene: POLG (DNA polymerase gamma, catalytic subunit; minus strand). Cytogenetic location: 15q26.1.
Variant type: single nucleotide variant.
Coding change: c.2265+236G>A on transcript NM_002693.3 (MANE Select); 236 bases into the intron after coding-DNA position 2265, G replaced by A.
Molecular consequence: intron variant.
Genome position (GRCh38, 1-based): chr15:89,323,168, C>T on the plus strand (G>A on the coding strand, the complement: POLG is on the minus strand). VCF-style: chr15-89323168-C-T. GRCh37 (hg19) VCF-style: chr15-89866399-C-T.
Other names: c.2265+236G>A (NM_001126131.2).
Identifiers: ClinVar variation 667970 (VCV000667970.2), dbSNP rs3176201, ClinGen allele CA14164850.
Genomic context (GRCh38, chr15:89,323,168, plus strand): 5'-CAAACCTGGCTCCCTGCATAATAACAAATCGGAAAAACCTATCACGTACCAGATGTCGTA[C>T]CAAACATACGACGTGCCCCATGTCATTTAATTCCACCACCATGCCCCTTGCCACCCGACT-3'

ClinVar aggregate classification (germline): Benign. Review status: criteria provided, multiple submitters, no conflicts (2 of 4 stars). 2 submissions from 2 submitters: Benign (2). Last evaluated 2018-06-16.

Allele frequency attached by ClinVar (database versions not stated): gnomAD 0.02803 and 0.03011; 1000 Genomes Project 0.02935; TOPMed 0.03216; 1000 Genomes Project 30x 0.03310.
gnomAD v4.1: 4,241 of 152,306 alleles (2.8%); highest among the groups gnomAD compares: African/African-American, 9.3%; 173 homozygotes.

Submissions (2):

GeneDx
Classification: Benign. Last evaluated: 2018-06-16. Review status: criteria provided, single submitter. Criteria: GeneDx Variant Classification (06012015). Collection method: clinical testing. Allele origin: germline. Affected: yes.
Comment: This variant is considered likely benign or benign based on one or more of the following criteria: it is a conservative change, it occurs at a poorly conserved position in the protein, it is predicted to be benign by multiple in silico algorithms, and/or has population frequency not consistent with disease.

Breakthrough Genomics
Classification: Benign. Review status: criteria provided, single submitter. Criteria: ACMG Guidelines, 2015. Collection method: not provided. Allele origin: germline. Inheritance: Autosomal recessive inheritance. Affected: yes.